The following is an entry in ClinVar:

NM_001001331.4(ATP2B2):c.2261_2264del (p.Phe754fs)

Gene: ATP2B2 (ATPase plasma membrane Ca2+ transporting 2; minus strand). Cytogenetic location: 3p25.3.
Variant type: Deletion.
Coding change: c.2261_2264del on transcript NM_001001331.4 (MANE Select); coding-DNA positions 2261 to 2264, 4 bases deleted (TTCT; older notation c.2261_2264delTTCT).
Protein change: p.Phe754fs; shifts the reading frame from phenylalanine 754.
Molecular consequence: frameshift variant.
Genome position (GRCh38, 1-based): chr3:10,350,450-10,350,453, AGAA deleted on the plus strand (TTCT on the coding strand, the reverse complement: ATP2B2 is on the minus strand); deleting any 4 consecutive bases within chr3:10,350,450-10,350,455 gives the same sequence; the c. name uses the placement nearest the transcript's 3' end. VCF-style (leftmost placement, unchanged base first): chr3-10350449-CAGAA-C. GRCh37 (hg19) VCF-style: chr3-10392133-CAGAA-C.
Other names: c.2126_2129del, p.Phe709fs (NM_001330611.3, NM_001353564.1, NM_001363862.1 and 2 more transcripts); c.2168_2171del, p.Phe723fs (NM_001438646.1); short protein forms F709fs, F723fs, F754fs.
Identifiers: ClinVar variation 4724146 (VCV004724146.1).

ClinVar aggregate classification (germline): Pathogenic (1 of 4 stars; one submission).

Submission:

Labcorp Genetics (formerly Invitae), Labcorp
Classification: Pathogenic. Last evaluated: 2025-07-27. Review status: criteria provided, single submitter. Criteria: Invitae Variant Classification Sherloc (09022015). Collection method: clinical testing. Allele origin: germline.
Comment: This sequence change creates a premature translational stop signal (p.Phe709Cysfs*63) in the ATP2B2 gene. It is expected to result in an absent or disrupted protein product. Loss-of-function variants in ATP2B2 are known to be pathogenic (PMID: 30535804). This variant is not present in population databases (gnomAD no frequency). This variant has not been reported in the literature in individuals affected with ATP2B2-related conditions. For these reasons, this variant has been classified as Pathogenic.

Literature cited by the submitters: PubMed 30535804.